The following is an entry in ClinVar:

ClinVar aggregate classification (germline): Likely benign. Review status: criteria provided, multiple submitters, no conflicts (2 of 4 stars). 2 submissions from 2 submitters: Likely benign (2). Last evaluated 2025-11-04.

Conditions:
POLD1-related polyposis and colorectal cancer syndrome (CRCS10). Also called: Colorectal cancer, susceptibility to, 10; Colorectal cancer 10; COLORECTAL CANCER, SUSCEPTIBILITY TO, ON CHROMOSOME 19q. Identifiers: Orphanet 220460, MedGen C2675481, MONDO:0012953, OMIM 612591.

Allele frequency attached by ClinVar (database versions not stated): gnomAD exomes below 0.00001.

Submissions (2):

Labcorp Genetics (formerly Invitae), Labcorp
Classification: Likely benign for POLD1-related polyposis and colorectal cancer syndrome. Last evaluated: 2025-11-04. Review status: criteria provided, single submitter. Criteria: Invitae Variant Classification Sherloc (09022015). Collection method: clinical testing. Allele origin: germline.

GeneDx
Classification: Likely benign. Last evaluated: 2016-09-20. Review status: criteria provided, single submitter. Criteria: GeneDx Variant Classification (06012015). Collection method: clinical testing. Allele origin: germline. Affected: yes.
Comment: This variant is considered likely benign or benign based on one or more of the following criteria: it is a conservative change, it occurs at a poorly conserved position in the protein, it is predicted to be benign by multiple in silico algorithms, and/or has population frequency not consistent with disease.

NM_002691.4(POLD1):c.2954-6C>T

Gene: POLD1 (DNA polymerase delta 1, catalytic subunit; plus strand). Cytogenetic location: 19q13.33.
Variant type: single nucleotide variant.
Coding change: c.2954-6C>T on transcript NM_002691.4 (MANE Select); 6 bases into the intron before coding-DNA position 2954, C replaced by T.
Molecular consequence: intron variant.
Genome position (GRCh38, 1-based): chr19:50,416,604, C>T. VCF-style: chr19-50416604-C-T. GRCh37 (hg19) VCF-style: chr19-50919861-C-T.
Other names: c.2954-6C>T (LRG_785t1, NM_001256849.1); c.3032-6C>T (LRG_785t2, NM_001308632.1).
Identifiers: ClinVar variation 389471 (VCV000389471.8), dbSNP rs1057523443, ClinGen allele CA16609027.
Genomic context (GRCh38, chr19:50,416,604, plus strand): 5'-GGGACTGGGGGCACCCTGGGGGGGCAGAGGAGATCACCGGCCCACCACCTGCCTCCTCTC[C>T]TGCAGGGGGGGACCACACGCGCTGCAAGACGGTGCTCACGGGCAAGGTGGGCGGCCTCCT-3'